The following is an entry in ClinVar:

NM_007294.4(BRCA1):c.715C>T (p.His239Tyr)

Gene: BRCA1 (BRCA1 DNA repair associated; minus strand). Cytogenetic location: 17q21.31.
Variant type: single nucleotide variant.
Coding change: c.715C>T on transcript NM_007294.4 (MANE Select); coding-DNA position 715, C replaced by T.
Protein change: p.His239Tyr; replaces histidine 239 with tyrosine.
Molecular consequence: missense variant. On other transcripts: non-coding transcript variant (1).
Genome position (GRCh38, 1-based): chr17:43,094,816, G>A on the plus strand (C>T on the coding strand, the complement: BRCA1 is on the minus strand). VCF-style: chr17-43094816-G-A. GRCh37 (hg19) VCF-style: chr17-41246833-G-A.
Other names: c.448C>T, p.His150Tyr (NM_001408503.1, NM_001408504.1, NM_001408505.1 and 5 more transcripts); c.379C>T, p.His127Tyr (NM_001408508.1, NM_001408509.1, NM_001407954.1 and 3 more transcripts); c.334C>T, p.His112Tyr (NM_001408510.1, NM_001407959.1, NM_001407960.1 and 1 more transcripts); c.211C>T, p.His71Tyr (NM_001408512.1, NM_001407965.1); c.505C>T, p.His169Tyr (NM_001408513.1, NM_001408514.1, NM_001407879.1 and 25 more transcripts); c.574C>T, p.His192Tyr (NM_007297.4, NM_001407692.1, NM_001407694.1 and 43 more transcripts); c.715C>T, p.His239Tyr (NM_007298.4, NM_007299.4, NM_007300.4 and 54 more transcripts); c.502C>T, p.His168Tyr (NM_001407571.1, NM_001407853.1, NM_001407894.1 and 12 more transcripts); and 14 more; short protein forms H192Y, H239Y, H151Y, H171Y, H194Y, H236Y, H71Y, H112Y.
Identifiers: ClinVar variation 826868 (VCV000826868.8), dbSNP rs1270749718, ClinGen allele CA10600654.

ClinVar aggregate classification (germline): Conflicting classifications of pathogenicity. Review status: criteria provided, conflicting classifications (1 of 4 stars). 2 submissions from 2 submitters: Uncertain significance (1); Likely benign (1). Last evaluated 2024-08-20.

Conditions:
Hereditary cancer-predisposing syndrome. Also called: Neoplastic Syndromes, Hereditary; Tumor predisposition; Hereditary neoplastic syndrome; Hereditary Cancer Syndrome. Identifiers: Orphanet 140162, MedGen C0027672, MeSH D009386, MONDO:0015356.

Allele frequency attached by ClinVar (database versions not stated): gnomAD exomes below 0.00001; TOPMed below 0.00001; gnomAD 0.00001.
gnomAD v4.1: 2 of 1,613,446 alleles (0.00012%); highest among the groups gnomAD compares: African/African-American, 0.0027%; no homozygotes.

Submissions (2):

Ambry Genetics
Classification: Uncertain significance for Hereditary cancer-predisposing syndrome. Last evaluated: 2024-08-20. Review status: criteria provided, single submitter. Criteria: Ambry Variant Classification Scheme 2023. Collection method: clinical testing. Allele origin: germline.
Comment: The p.H239Y variant (also known as c.715C>T), located in coding exon 9 of the BRCA1 gene, results from a C to T substitution at nucleotide position 715. The histidine at codon 239 is replaced by tyrosine, an amino acid with similar properties. This amino acid position is not well conserved in available vertebrate species. In addition, this alteration is predicted to be deleterious by in silico analysis. Based on the available evidence, the clinical significance of this variant remains unclear.

University of Washington Department of Laboratory Medicine, University of Washington
Classification: Likely benign for Hereditary cancer-predisposing syndrome. Last evaluated: 2023-03-23. Review status: criteria provided, single submitter. Criteria: Dines et al. (Genet Med. 2020). Collection method: curation. Allele origin: germline.
Comment: Missense variant in a coldspot region where missense variants are very unlikely to be pathogenic (PMID:31911673).

BRCA1 coldspot (exon 11 using historical exon numbering). Reclassification based on statistical prior probability